The following is an entry in ClinVar:

ClinVar aggregate classification (germline): Uncertain significance (1 of 4 stars; one submission).

Conditions:
Landau-Kleffner syndrome (FESD). Also called: EPILEPSY, FOCAL, WITH SPEECH DISORDER AND WITH OR WITHOUT MENTAL RETARDATION; APHASIA, ACQUIRED, WITH EPILEPSY. Identifiers: Orphanet 1945, Orphanet 725, Orphanet 98818, MedGen C0282512, MONDO:0009509, OMIM 245570.

gnomAD v4.1: 7 of 1,614,030 alleles (0.00043%); highest among the groups gnomAD compares: African/African-American, 0.0013%; no homozygotes.

Submission:

Labcorp Genetics (formerly Invitae), Labcorp
Classification: Uncertain significance for Landau-Kleffner syndrome. Last evaluated: 2025-05-14. Review status: criteria provided, single submitter. Criteria: Invitae Variant Classification Sherloc (09022015). Collection method: clinical testing. Allele origin: germline.
Comment: This sequence change replaces cysteine, which is neutral and slightly polar, with tyrosine, which is neutral and polar, at codon 1382 of the GRIN2A protein (p.Cys1382Tyr). This variant is present in population databases (rs769095466, gnomAD 0.002%). This variant has not been reported in the literature in individuals affected with GRIN2A-related conditions. Invitae Evidence Modeling of protein sequence and biophysical properties (such as structural, functional, and spatial information, amino acid conservation, physicochemical variation, residue mobility, and thermodynamic stability) indicates that this missense variant is not expected to disrupt GRIN2A protein function with a negative predictive value of 95%. In summary, the available evidence is currently insufficient to determine the role of this variant in disease. Therefore, it has been classified as a Variant of Uncertain Significance.

NM_001134407.3(GRIN2A):c.4145G>A (p.Cys1382Tyr)

Gene: GRIN2A (glutamate ionotropic receptor NMDA type subunit 2A; minus strand). Cytogenetic location: 16p13.2.
Variant type: single nucleotide variant.
Coding change: c.4145G>A on transcript NM_001134407.3 (MANE Select); coding-DNA position 4145, G replaced by A.
Protein change: p.Cys1382Tyr; replaces cysteine 1382 with tyrosine.
Molecular consequence: missense variant.
Genome position (GRCh38, 1-based): chr16:9,763,399, C>T on the plus strand (G>A on the coding strand, the complement: GRIN2A is on the minus strand). VCF-style: chr16-9763399-C-T. GRCh37 (hg19) VCF-style: chr16-9857256-C-T.
Other names: c.4145G>A, p.Cys1382Tyr (NM_000833.5); c.3802G>A, p.Ala1268Thr (NM_001134408.2); short protein forms A1268T, C1382Y.
Identifiers: ClinVar variation 4802904 (VCV004802904.1).